The following is an entry in ClinVar:

NM_003921.5(BCL10):c.445G>A (p.Ala149Thr)

Gene: BCL10 (BCL10 immune signaling adaptor; minus strand). Cytogenetic location: 1p22.3.
Variant type: single nucleotide variant.
Coding change: c.445G>A on transcript NM_003921.5 (MANE Select); coding-DNA position 445, G replaced by A.
Protein change: p.Ala149Thr; replaces alanine 149 with threonine.
Molecular consequence: missense variant.
Genome position (GRCh38, 1-based): chr1:85,267,884, C>T on the plus strand (G>A on the coding strand, the complement: BCL10 is on the minus strand). VCF-style: chr1-85267884-C-T. GRCh37 (hg19) VCF-style: chr1-85733567-C-T.
Other names: c.412G>A, p.Ala138Thr (NM_001320715.2); short protein forms A138T, A149T.
Identifiers: ClinVar variation 998471 (VCV000998471.7), dbSNP rs1381387146, ClinGen allele CA340949231.

ClinVar aggregate classification (germline): Uncertain significance (1 of 4 stars; one submission).

Conditions:
Immunodeficiency 37 (IMD37). Identifiers: MedGen C4015195, MONDO:0014491, OMIM 616098.

Allele frequency attached by ClinVar (database versions not stated): gnomAD exomes below 0.00001 and 0.00001; gnomAD 0.00001.
gnomAD v4.1: 9 of 1,613,506 alleles (0.00056%); highest among the groups gnomAD compares: South Asian, 0.0066%; no homozygotes.

Submission:

Labcorp Genetics (formerly Invitae), Labcorp
Classification: Uncertain significance for Immunodeficiency 37. Last evaluated: 2022-08-16. Review status: criteria provided, single submitter. Criteria: Invitae Variant Classification Sherloc (09022015). Collection method: clinical testing. Allele origin: germline.
Comment: This sequence change replaces alanine, which is neutral and non-polar, with threonine, which is neutral and polar, at codon 149 of the BCL10 protein (p.Ala149Thr). This variant is present in population databases (no rsID available, gnomAD 0.003%). This variant has not been reported in the literature in individuals affected with BCL10-related conditions. ClinVar contains an entry for this variant (Variation ID: 998471). Algorithms developed to predict the effect of missense changes on protein structure and function (SIFT, PolyPhen-2, Align-GVGD) all suggest that this variant is likely to be tolerated. In summary, the available evidence is currently insufficient to determine the role of this variant in disease. Therefore, it has been classified as a Variant of Uncertain Significance.